The following is an entry in ClinVar:

NM_005359.6(SMAD4):c.1447+10C>A

Gene: SMAD4 (SMAD family member 4; plus strand). Cytogenetic location: 18q21.2.
Variant type: single nucleotide variant.
Coding change: c.1447+10C>A on transcript NM_005359.6 (MANE Select); 10 bases into the intron after coding-DNA position 1447, C replaced by A.
Molecular consequence: intron variant.
Genome position (GRCh38, 1-based): chr18:51,076,786, C>A. VCF-style: chr18-51076786-C-A. GRCh37 (hg19) VCF-style: chr18-48603156-C-A.
Other names: c.1447+10C>A (NM_001407042.1, NM_001407041.1).
Identifiers: ClinVar variation 3904075 (VCV003904075.1).
Genomic context (GRCh38, chr18:51,076,786, plus strand): 5'-CAGGAAACATCCCTGGCCCAGGATCAGTAGGTGGAATAGCTCCAGCTATCAGTAAGTATG[C>A]TTTTCATTCTTTTTTAAAGGTATAATAGTTGATATTTTTATCTTGATTTACTCAGTTGAT-3'

ClinVar aggregate classification (germline): Likely benign (1 of 4 stars; one submission).

Conditions:
Juvenile polyposis/hereditary hemorrhagic telangiectasia syndrome (JPHT). Also called: JP/HHT SYNDROME; JUVENILE POLYPOSIS WITH HEREDITARY HEMORRHAGIC TELANGIECTASIA; POLYPOSIS, GENERALIZED JUVENILE, WITH PULMONARY ARTERIOVENOUS MALFORMATION; TELANGIECTASIA, HEREDITARY HEMORRHAGIC, WITH JUVENILE POLYPOSIS COLI; Juvenile Polyposis Syndrome / Hereditary Hemorrhagic Telangiectasia (JPS/HHT). Identifiers: Orphanet 2929, MedGen C1832942, MONDO:0008278, OMIM 175050.

Submission:

Myriad Genetics, Inc.
Classification: Likely benign for Juvenile polyposis/hereditary hemorrhagic telangiectasia syndrome. Last evaluated: 2025-03-24. Review status: criteria provided, single submitter. Criteria: Myriad Autosomal Dominant, Autosomal Recessive and X-Linked Classification Criteria (2023). Collection method: clinical testing. Allele origin: unknown.
Comment: This variant is considered likely benign. This variant is intronic and is not expected to impact mRNA splicing.